The following is an entry in ClinVar:

ClinVar aggregate classification (germline): Likely benign (1 of 4 stars; one submission).

Conditions:
3M syndrome 2. Also called: 3-M Syndrome, OBSL1-Related; THREE M SYNDROME 2. Identifiers: Orphanet 2616, MedGen C2752041, MONDO:0013039, OMIM 612921.

Allele frequency attached by ClinVar (database versions not stated): gnomAD 0.00006 and 0.00007; gnomAD exomes 0.00007 and 0.00044; TOPMed 0.00010; ExAC 0.00096.

Submission:

Illumina Laboratory Services, Illumina
Classification: Likely benign for 3M syndrome 2. Last evaluated: 2018-01-13. Review status: criteria provided, single submitter. Criteria: ICSL Variant Classification Criteria 13 December 2019. Collection method: clinical testing. Allele origin: germline.
Comment: This variant was observed in the ICSL laboratory as part of a predisposition screen in an ostensibly healthy population. It had not been previously curated by ICSL or reported in the Human Gene Mutation Database (HGMD: prior to June 1st, 2018), and was therefore a candidate for classification through an automated scoring system. Utilizing variant allele frequency, disease prevalence and penetrance estimates, and inheritance mode, an automated score was calculated to assess if this variant is too frequent to cause the disease. Based on the score and internal cut-off values, a variant classified as likely benign is not then subjected to further curation. The score for this variant resulted in a classification of likely benign for this disease.

NM_015311.3(OBSL1):c.-12T>C

Gene: OBSL1 (obscurin like cytoskeletal adaptor 1; minus strand). Cytogenetic location: 2q35.
Variant type: single nucleotide variant.
Coding change: c.-12T>C on transcript NM_015311.3 (MANE Select); 12 bases upstream of the start codon, T replaced by C.
Molecular consequence: 5 prime UTR variant.
Genome position (GRCh38, 1-based): chr2:219,571,244, A>G on the plus strand (T>C on the coding strand, the complement: OBSL1 is on the minus strand). VCF-style: chr2-219571244-A-G. GRCh37 (hg19) VCF-style: chr2-220435966-A-G.
Other names: c.-12T>C (NM_001173408.2, NM_001173431.2).
Identifiers: ClinVar variation 897944 (VCV000897944.4), dbSNP rs781320979, ClinGen allele CA2131847.